The following is an entry in ClinVar:

NM_004447.6(EPS8):c.1300C>T (p.Arg434Cys)

Gene: EPS8 (EGFR pathway substrate 8, signaling adaptor; minus strand). Cytogenetic location: 12p12.3.
Variant type: single nucleotide variant.
Coding change: c.1300C>T on transcript NM_004447.6 (MANE Select); coding-DNA position 1300, C replaced by T.
Protein change: p.Arg434Cys; replaces arginine 434 with cysteine.
Molecular consequence: missense variant.
Genome position (GRCh38, 1-based): chr12:15,650,957, G>A on the plus strand (C>T on the coding strand, the complement: EPS8 is on the minus strand). VCF-style: chr12-15650957-G-A. GRCh37 (hg19) VCF-style: chr12-15803891-G-A.
Other names: c.1300C>T, p.Arg434Cys (NM_001413831.1, NM_001413832.1, NM_001413833.1 and 2 more transcripts); c.1060C>T, p.Arg354Cys (NM_001413835.1, NM_001413836.1); c.883C>T, p.Arg295Cys (NM_001413837.1); c.520C>T, p.Arg174Cys (NM_001413838.1); short protein forms R174C, R295C, R354C, R434C.
Identifiers: ClinVar variation 2429562 (VCV002429562.3), dbSNP rs147224631, ClinGen allele CA6467608.

ClinVar aggregate classification (germline): Uncertain significance. Review status: criteria provided, multiple submitters, no conflicts (2 of 4 stars). 3 submissions from 3 submitters: Uncertain significance (3). Last evaluated 2025-08-02.

Conditions:
Inborn genetic diseases. Identifiers: MedGen C0950123, MeSH D030342.

Allele frequency attached by ClinVar (database versions not stated): gnomAD 0.00003; TOPMed 0.00003; gnomAD exomes 0.00006; ESP Exome Variant Server 0.00008; ExAC 0.00012.
gnomAD v4.1: 88 of 1,613,920 alleles (0.0055%); highest among the groups gnomAD compares: Middle Eastern, 0.033%; no homozygotes.

Submissions (3):

Ambry Genetics
Classification: Uncertain significance for Inborn genetic diseases. Last evaluated: 2025-08-02. Review status: criteria provided, single submitter. Criteria: Ambry Variant Classification Scheme 2023. Collection method: clinical testing. Allele origin: germline.

Blueprint Genetics
Classification: Uncertain significance. Last evaluated: 2024-05-30. Review status: criteria provided, single submitter. Criteria: ACMG Guidelines, 2015. Collection method: clinical testing. Allele origin: germline.

GeneDx
Classification: Uncertain significance. Last evaluated: 2022-08-09. Review status: criteria provided, single submitter. Criteria: GeneDx Variant Classification Process June 2021. Collection method: clinical testing. Allele origin: germline. Affected: yes.
Comment: In silico analysis supports that this missense variant has a deleterious effect on protein structure/function; Has not been previously published as pathogenic or benign to our knowledge